The following is an entry in ClinVar:

NM_005188.4(CBL):c.482T>A (p.Met161Lys)

Gene: CBL (Cbl proto-oncogene; plus strand). Cytogenetic location: 11q23.3.
Variant type: single nucleotide variant.
Coding change: c.482T>A on transcript NM_005188.4 (MANE Select); coding-DNA position 482, T replaced by A.
Protein change: p.Met161Lys; replaces methionine 161 with lysine.
Molecular consequence: missense variant.
Genome position (GRCh38, 1-based): chr11:119,271,773, T>A. VCF-style: chr11-119271773-T-A. GRCh37 (hg19) VCF-style: chr11-119142483-T-A.
Other names: short protein forms M161K.
Identifiers: ClinVar variation 2706036 (VCV002706036.3), dbSNP rs2496927353, ClinGen allele CA382907193.

ClinVar aggregate classification (germline): Uncertain significance (1 of 4 stars; one submission).

Conditions:
RASopathy. Also called: rasopathies; Noonan spectrum disorder. Identifiers: Orphanet 536391, MedGen C5555857, MONDO:0021060.

Submission:

Labcorp Genetics (formerly Invitae), Labcorp
Classification: Uncertain significance for RASopathy. Last evaluated: 2023-12-28. Review status: criteria provided, single submitter. Criteria: Invitae Variant Classification Sherloc (09022015). Collection method: clinical testing. Allele origin: germline.
Comment: This sequence change replaces methionine, which is neutral and non-polar, with lysine, which is basic and polar, at codon 161 of the CBL protein (p.Met161Lys). This variant is not present in population databases (gnomAD no frequency). This variant has not been reported in the literature in individuals affected with CBL-related conditions. Advanced modeling of protein sequence and biophysical properties (such as structural, functional, and spatial information, amino acid conservation, physicochemical variation, residue mobility, and thermodynamic stability) has been performed at Invitae for this missense variant, however the output from this modeling did not meet the statistical confidence thresholds required to predict the impact of this variant on CBL protein function. In summary, the available evidence is currently insufficient to determine the role of this variant in disease. Therefore, it has been classified as a Variant of Uncertain Significance.